The following is an entry in ClinVar:

NM_001017420.3(ESCO2):c.715_716del (p.Glu239fs)

Gene: ESCO2 (establishment of sister chromatid cohesion N-acetyltransferase 2; plus strand). Cytogenetic location: 8p21.1.
Variant type: Deletion.
Coding change: c.715_716del on transcript NM_001017420.3 (MANE Select); coding-DNA positions 715 to 716, 2 bases deleted (GA; older notation c.715_716delGA).
Protein change: p.Glu239fs; shifts the reading frame from glutamic acid 239.
Molecular consequence: frameshift variant.
Genome position (GRCh38, 1-based): chr8:27,777,023-27,777,024, GA deleted; deleting any 2 consecutive bases within chr8:27,777,022-27,777,024 gives the same sequence; the c. name uses the placement nearest the transcript's 3' end. VCF-style (leftmost placement, unchanged base first): chr8-27777021-CAG-C. GRCh37 (hg19) VCF-style: chr8-27634538-CAG-C.
Other names: c.715_716del (NM_001017420.2); short protein forms E239fs.
Identifiers: ClinVar variation 3595492 (VCV003595492.2).

ClinVar aggregate classification (germline): Likely pathogenic. Review status: criteria provided, multiple submitters, no conflicts (2 of 4 stars). 2 submissions from 2 submitters: Likely pathogenic (2). Last evaluated 2025-10-28.

Conditions:
Roberts-SC phocomelia syndrome (RBS). Also called: LONG BONE DEFICIENCIES ASSOCIATED WITH CLEFT LIP-PALATE; ESCO2 Spectrum Disorder; Hypomelia hypotrichosis facial hemangioma syndrome; Pseudothalidomide syndrome; Appelt-Gerken-Lenz syndrome. Identifiers: Orphanet 3103, MedGen C0392475, MONDO:0100253, OMIM 268300.
Juberg-Hayward syndrome (JHS). Also called: Cleft lip/palate with abnormal thumbs and microcephaly; OROCRANIODIGITAL SYNDROME. Identifiers: Orphanet 2319, MedGen C0796099, MONDO:0008992, OMIM 216100.

Submissions (2):

Natera, Inc.
Classification: Likely pathogenic for Roberts syndrome. Last evaluated: 2025-10-28. Review status: criteria provided, single submitter. Criteria: Natera Variant Classification Schema (03/2026). Collection method: clinical testing. Allele origin: germline.
Comment: The c.715_716del variant in ESCO2 is a frameshift variant predicted to shift the reading frame beginning at codon 239 and leads to a stop codon 3 codons downstream. This variant is expected to result in nonsense mediated decay, truncation, or a dysfunctional protein product. This variant is rare in the general population with a frequency below the threshold expected for the associated phenotype(s). Given the available evidence, this variant is classified as Likely Pathogenic.

Fulgent Genetics
Classification: Likely pathogenic for Juberg-Hayward syndrome; Roberts-SC phocomelia syndrome. Last evaluated: 2023-12-31. Review status: criteria provided, single submitter. Criteria: ACMG Guidelines, 2015. Collection method: clinical testing. Allele origin: germline.